The following is an entry in ClinVar:

ClinVar aggregate classification (germline): Uncertain significance. Review status: criteria provided, single submitter (1 of 4 stars). 2 submissions from 2 submitters: Uncertain significance (1). 1 of the submissions does not count toward it. Last evaluated 2022-10-08.

Conditions:
Methylmalonic aciduria, cblA type (MACA). Also called: Methylmalonic aciduria, vitamin B12-responsive; Vitamin B12-responsive methylmalonic acidemia type cblA; Methylmalonic aciduria, vitamin b12-responsive, due to defect in synthesis of adenosylcobalamin, cbla complementation type; MMA cbl A type; Methylmalonic acidemia cblA type. Identifiers: Orphanet 28, Orphanet 79310, MedGen C1855109, MONDO:0009613, OMIM 251100.

Allele frequency attached by ClinVar (database versions not stated): ExAC 0.00004; gnomAD exomes 0.00004 and 0.00005; gnomAD 0.00005; TOPMed 0.00005; ESP Exome Variant Server 0.00008.
gnomAD v4.1: 65 of 1,614,016 alleles (0.004%); highest among the groups gnomAD compares: Non-Finnish European, 0.0052%; no homozygotes.

Submissions (2):

Labcorp Genetics (formerly Invitae), Labcorp
Classification: Uncertain significance for Methylmalonic aciduria, cblA type. Last evaluated: 2022-10-08. Review status: criteria provided, single submitter. Criteria: Invitae Variant Classification Sherloc (09022015). Collection method: clinical testing. Allele origin: germline.
Comment: This sequence change replaces aspartic acid, which is acidic and polar, with histidine, which is basic and polar, at codon 59 of the MMAA protein (p.Asp59His). This variant is present in population databases (rs371779800, gnomAD 0.01%). This variant has not been reported in the literature in individuals affected with MMAA-related conditions. ClinVar contains an entry for this variant (Variation ID: 663137). Advanced modeling of protein sequence and biophysical properties (such as structural, functional, and spatial information, amino acid conservation, physicochemical variation, residue mobility, and thermodynamic stability) performed at Invitae indicates that this missense variant is not expected to disrupt MMAA protein function. In summary, the available evidence is currently insufficient to determine the role of this variant in disease. Therefore, it has been classified as a Variant of Uncertain Significance.

Natera, Inc.
Classification: Uncertain significance for Methylmalonic aciduria cblA type. Last evaluated: 2020-09-16. Review status: no assertion criteria provided. Collection method: clinical testing. Allele origin: germline. Not counted in ClinVar's aggregate classification.

NM_172250.3(MMAA):c.175G>C (p.Asp59His)

Gene: MMAA (metabolism of cobalamin associated A; plus strand). Cytogenetic location: 4q31.21.
Variant type: single nucleotide variant.
Coding change: c.175G>C on transcript NM_172250.3 (MANE Select); coding-DNA position 175, G replaced by C.
Protein change: p.Asp59His; replaces aspartic acid 59 with histidine.
Molecular consequence: missense variant.
Genome position (GRCh38, 1-based): chr4:145,639,314, G>C. VCF-style: chr4-145639314-G-C. GRCh37 (hg19) VCF-style: chr4-146560466-G-C.
Other names: short protein forms D59H.
Identifiers: ClinVar variation 663137 (VCV000663137.4), dbSNP rs371779800, ClinGen allele CA3095136.